The following is an entry in ClinVar:

NM_015602.4(TOR1AIP1):c.309G>A (p.Ala103=)

Genes: TOR1AIP1 (torsin 1A interacting protein 1; plus strand), LOC112577517 (Sharpr-MPRA regulatory region 13766; plus strand). Cytogenetic location: 1q25.2.
Variant type: single nucleotide variant.
Coding change: c.309G>A on transcript NM_015602.4 (MANE Select); coding-DNA position 309, G replaced by A.
Protein change: p.Ala103=; no amino-acid change (alanine 103 retained).
Molecular consequence: synonymous variant.
Genome position (GRCh38, 1-based): chr1:179,882,811, G>A. VCF-style: chr1-179882811-G-A. GRCh37 (hg19) VCF-style: chr1-179851946-G-A.
Other names: c.309G>A, p.Ala103= (NM_001267578.2).
Identifiers: ClinVar variation 4874065 (VCV004874065.2).

ClinVar aggregate classification (germline): Likely benign (1 of 4 stars; one submission).

gnomAD v4.1: 2 of 1,614,202 alleles (0.00012%); highest among the groups gnomAD compares: Non-Finnish European, 0.00017%; no homozygotes.

Submission:

CeGaT Center for Human Genetics Tuebingen
Classification: Likely benign. Last evaluated: 2026-05-01. Review status: criteria provided, single submitter. Criteria: CeGaT Center For Human Genetics Tuebingen Variant Classification Criteria Version 2. Collection method: clinical testing. Allele origin: germline. Affected: yes. Observed: 1 variant allele.
Comment: TOR1AIP1: BP4, BP7